The following is an entry in ClinVar:

NM_173728.4(ARHGEF15):c.1097G>A (p.Trp366Ter)

Gene: ARHGEF15 (Rho guanine nucleotide exchange factor 15; plus strand). Cytogenetic location: 17p13.1.
Variant type: single nucleotide variant.
Coding change: c.1097G>A on transcript NM_173728.4 (MANE Select); coding-DNA position 1097, G replaced by A.
Protein change: p.Trp366Ter; replaces tryptophan 366 with a stop codon.
Molecular consequence: nonsense.
Genome position (GRCh38, 1-based): chr17:8,315,114, G>A. VCF-style: chr17-8315114-G-A. GRCh37 (hg19) VCF-style: chr17-8218432-G-A.
Other names: c.1097G>A, p.Trp366Ter (NM_025014.2); short protein forms W366*.
Identifiers: ClinVar variation 2839227 (VCV002839227.3), dbSNP rs776495574, ClinGen allele CA8375091.

ClinVar aggregate classification (germline): Uncertain significance (1 of 4 stars; one submission).

Conditions:
Early-infantile DEE. Also called: Early infantile epileptic encephalopathy; Early infantile epileptic encephalopathy with suppression bursts; Ohtahara syndrome. Identifiers: Orphanet 1934, MedGen C0393706, MONDO:0800491.

Submission:

Labcorp Genetics (formerly Invitae), Labcorp
Classification: Uncertain significance for Early-infantile DEE. Last evaluated: 2025-05-12. Review status: criteria provided, single submitter. Criteria: Invitae Variant Classification Sherloc (09022015). Collection method: clinical testing. Allele origin: germline.
Comment: This sequence change creates a premature translational stop signal (p.Trp366*) in the ARHGEF15 gene. It is expected to result in an absent or disrupted protein product. However, the current clinical and genetic evidence is not sufficient to establish whether loss-of-function variants in ARHGEF15 cause disease. This variant is present in population databases (rs776495574, gnomAD 0.003%). This variant has not been reported in the literature in individuals affected with ARHGEF15-related conditions. ClinVar contains an entry for this variant (Variation ID: 2839227). In summary, the available evidence is currently insufficient to determine the role of this variant in disease. Therefore, it has been classified as a Variant of Uncertain Significance.